The following is an entry in ClinVar:

NM_002291.3(LAMB1):c.1490A>G (p.His497Arg)

Gene: LAMB1 (laminin subunit beta 1; minus strand). Cytogenetic location: 7q31.1.
Variant type: single nucleotide variant.
Coding change: c.1490A>G on transcript NM_002291.3 (MANE Select); coding-DNA position 1490, A replaced by G.
Protein change: p.His497Arg; replaces histidine 497 with arginine.
Molecular consequence: missense variant.
Genome position (GRCh38, 1-based): chr7:107,973,064, T>C on the plus strand (A>G on the coding strand, the complement: LAMB1 is on the minus strand). VCF-style: chr7-107973064-T-C. GRCh37 (hg19) VCF-style: chr7-107613509-T-C.
Other names: short protein forms H497R.
Identifiers: ClinVar variation 4765468 (VCV004765468.1).

ClinVar aggregate classification (germline): Uncertain significance (1 of 4 stars; one submission).

gnomAD v4.1: 2 of 1,613,748 alleles (0.00012%); highest among the groups gnomAD compares: East Asian, 0.0022%; no homozygotes.

Submission:

Labcorp Genetics (formerly Invitae), Labcorp
Classification: Uncertain significance. Last evaluated: 2025-06-03. Review status: criteria provided, single submitter. Criteria: Invitae Variant Classification Sherloc (09022015). Collection method: clinical testing. Allele origin: germline.
Comment: This sequence change replaces histidine, which is basic and polar, with arginine, which is basic and polar, at codon 497 of the LAMB1 protein (p.His497Arg). This variant is not present in population databases (gnomAD no frequency). This variant has not been reported in the literature in individuals affected with LAMB1-related conditions. An algorithm developed to predict the effect of missense changes on protein structure and function (PolyPhen-2) suggests that this variant is likely to be disruptive. In summary, the available evidence is currently insufficient to determine the role of this variant in disease. Therefore, it has been classified as a Variant of Uncertain Significance.